The following is an entry in ClinVar:

NM_018139.3(DNAAF2):c.1069_1102dup (p.Glu368fs)

Genes: DNAAF2 (dynein axonemal assembly factor 2; minus strand), LOC130055542 (ATAC-STARR-seq lymphoblastoid silent region 5699; plus strand). Cytogenetic location: 14q21.3.
Variant type: Duplication.
Coding change: c.1069_1102dup on transcript NM_018139.3 (MANE Select); coding-DNA positions 1069 to 1102, 34 bases duplicated.
Protein change: p.Glu368fs; shifts the reading frame from glutamic acid 368.
Molecular consequence: frameshift variant.
Genome position (GRCh38, 1-based): chr14:49,634,048-49,634,081, 34 bases duplicated; duplicating any 34 consecutive bases within chr14:49,634,048-49,634,083 gives the same sequence; the c. name uses the placement nearest the transcript's 3' end. GRCh37 (hg19): chr14:50,100,768-50,100,801.
Other names: c.1069_1102dup, p.Glu368fs (NM_001083908.2); short protein forms E368fs.
Identifiers: ClinVar variation 3023783 (VCV003023783.3), dbSNP rs2502768696, ClinGen allele CA2624728033.

ClinVar aggregate classification (germline): Pathogenic (1 of 4 stars; one submission).

Conditions:
Primary ciliary dyskinesia. Also called: Ciliary dyskinesia. Identifiers: Orphanet 244, MedGen C0008780, MONDO:0016575, HP:0012265.

Submission:

Labcorp Genetics (formerly Invitae), Labcorp
Classification: Pathogenic for Primary ciliary dyskinesia. Last evaluated: 2025-09-15. Review status: criteria provided, single submitter. Criteria: Invitae Variant Classification Sherloc (09022015). Collection method: clinical testing. Allele origin: germline.
Comment: This sequence change creates a premature translational stop signal (p.Glu368Alafs*20) in the DNAAF2 gene. It is expected to result in an absent or disrupted protein product. Loss-of-function variants in DNAAF2 are known to be pathogenic (PMID: 19052621, 24498942). This variant is not present in population databases (gnomAD no frequency). This variant has not been reported in the literature in individuals affected with DNAAF2-related conditions. ClinVar contains an entry for this variant (Variation ID: 3023783). For these reasons, this variant has been classified as Pathogenic.

Literature cited by the submitters: PubMed 19052621; PubMed 24498942.